The following is an entry in ClinVar:

NM_000059.4(BRCA2):c.5189dup (p.Asn1730fs)

Gene: BRCA2 (BRCA2 DNA repair associated; plus strand). Cytogenetic location: 13q13.1.
Variant type: Duplication.
Coding change: c.5189dup on transcript NM_000059.4 (MANE Select); coding-DNA position 5189, one base duplicated (A; older notation c.5189dupA).
Protein change: p.Asn1730fs; shifts the reading frame from asparagine 1730.
Molecular consequence: frameshift variant.
Genome position (GRCh38, 1-based): chr13:32,339,544, A duplicated; the last of 5 consecutive A bases (chr13:32,339,540-32,339,544); duplicating any one gives the same sequence. VCF-style (leftmost placement, unchanged base first): chr13-32339539-C-CA. GRCh37 (hg19) VCF-style: chr13-32913676-C-CA.
Other names: c.5189dupA (NM_000059.3); short protein forms N1730fs.
Identifiers: ClinVar variation 3227272 (VCV003227272.3), dbSNP rs1566231879, ClinGen allele CA658761170.

ClinVar aggregate classification (germline): Pathogenic. Review status: criteria provided, multiple submitters, no conflicts (2 of 4 stars). 2 submissions from 2 submitters: Pathogenic (2). Last evaluated 2024-08-19.

Conditions:
Hereditary cancer-predisposing syndrome. Also called: Neoplastic Syndromes, Hereditary; Tumor predisposition; Hereditary neoplastic syndrome; Hereditary Cancer Syndrome. Identifiers: Orphanet 140162, MedGen C0027672, MeSH D009386, MONDO:0015356.
Hereditary breast ovarian cancer syndrome. Also called: Hereditary breast and ovarian cancer syndrome (HBOC); Breast and ovarian cancer; Hereditary breast and/or ovarian cancer syndrome; BRCA1- and BRCA2-Associated Hereditary Breast and Ovarian Cancer; Hereditary breast and ovarian cancer syndrome; Hereditary breast and ovarian cancer. Identifiers: Orphanet 145, MedGen C0677776, MeSH D061325, MONDO:0003582. Disease mechanism: loss of function.

Submissions (2):

Labcorp Genetics (formerly Invitae), Labcorp
Classification: Pathogenic for Hereditary breast ovarian cancer syndrome. Last evaluated: 2024-08-19. Review status: criteria provided, single submitter. Criteria: Invitae Variant Classification Sherloc (09022015). Collection method: clinical testing. Allele origin: germline.
Comment: This sequence change creates a premature translational stop signal (p.Asn1730Lysfs*13) in the BRCA2 gene. It is expected to result in an absent or disrupted protein product. Loss-of-function variants in BRCA2 are known to be pathogenic (PMID: 20104584). This variant is not present in population databases (gnomAD no frequency). This premature translational stop signal has been observed in individual(s) with breast and/or ovarian cancer (PMID: 25136594). For these reasons, this variant has been classified as Pathogenic.

Ambry Genetics
Classification: Pathogenic for Hereditary cancer-predisposing syndrome. Last evaluated: 2024-03-05. Review status: criteria provided, single submitter. Criteria: Ambry Variant Classification Scheme 2023. Collection method: clinical testing. Allele origin: germline.
Comment: The c.5189dupA pathogenic mutation, located in coding exon 10 of the BRCA2 gene, results from a duplication of A at nucleotide position 5189, causing a translational frameshift with a predicted alternate stop codon (p.N1730Kfs*13). This variant was identified in an individual diagnosed with early-onset breast cancer (Su Y et al. Front Genet, 2021 Nov;12:674094). This variant is considered to be rare based on population cohorts in the Genome Aggregation Database (gnomAD). In addition to the clinical data presented in the literature, this alteration is expected to result in loss of function by premature protein truncation or nonsense-mediated mRNA decay. As such, this alteration is interpreted as a disease-causing mutation.

Literature cited by the submitters: PubMed 20104584 (cited by Labcorp Genetics (formerly Invitae), Labcorp); PubMed 25136594 (cited by Labcorp Genetics (formerly Invitae), Labcorp); PubMed 34917121 (cited by Ambry Genetics).